The following is an entry in ClinVar:

NM_001184900.3(CARD8):c.534C>A (p.Asn178Lys)

Gene: CARD8 (caspase recruitment domain family member 8; minus strand). Cytogenetic location: 19q13.33.
Variant type: single nucleotide variant.
Coding change: c.534C>A on transcript NM_001184900.3 (MANE Select); coding-DNA position 534, C replaced by A.
Protein change: p.Asn178Lys; replaces asparagine 178 with lysine.
Molecular consequence: missense variant. On other transcripts: non-coding transcript variant (4).
Genome position (GRCh38, 1-based): chr19:48,231,668, G>T on the plus strand (C>A on the coding strand, the complement: CARD8 is on the minus strand). VCF-style: chr19-48231668-G-T. GRCh37 (hg19) VCF-style: chr19-48734925-G-T.
Other names: c.534C>A (NM_001184900.1); c.384C>A, p.Asn128Lys (NM_001184901.1, NM_014959.5, NM_001351783.2 and 2 more transcripts); c.534C>A, p.Asn178Lys (NM_001184902.2, NM_001184903.1, NM_001351782.2); c.219C>A, p.Asn73Lys (NM_001365950.1, NM_001351784.2, NM_001351787.2 and 2 more transcripts); c.-289C>A (NM_001426741.1); c.198C>A, p.Asn66Lys (NM_001351786.2); c.291C>A, p.Asn97Lys (NM_001351790.2); short protein forms N178K, N128K, N66K, N97K, N73K.
Identifiers: ClinVar variation 2829896 (VCV002829896.4), dbSNP rs772050510, ClinGen allele CA9547996.
Genomic context (GRCh38, chr19:48,231,668, plus strand): 5'-ACTTCCTTTATATCAGAGTGGTTTTCAAATCATCAGCATCTTCCATTCTTACCTGTATCT[G>T]TTTGTGCTCTTATCAATCAACTCAACATCCACATTTCCTTCAGGCCCCAGAAACTGACGA-3'
Protein context (NP_001171829.1, residues 168-188): VDVELIDKST[Asn178Lys]RYSVWFPTAG

ClinVar aggregate classification (germline): Uncertain significance. Review status: criteria provided, multiple submitters, no conflicts (2 of 4 stars). 2 submissions from 2 submitters: Uncertain significance (2). Last evaluated 2025-06-07.

gnomAD v4.1: 5 of 1,601,882 alleles (0.00031%); highest among the groups gnomAD compares: Non-Finnish European, 0.00043%; no homozygotes.

Submissions (2):

Ambry Genetics
Classification: Uncertain significance. Last evaluated: 2025-06-07. Review status: criteria provided, single submitter. Criteria: Ambry Variant Classification Scheme 2023. Collection method: clinical testing. Allele origin: germline.

Labcorp Genetics (formerly Invitae), Labcorp
Classification: Uncertain significance. Last evaluated: 2024-10-21. Review status: criteria provided, single submitter. Criteria: Invitae Variant Classification Sherloc (09022015). Collection method: clinical testing. Allele origin: germline.
Comment: This sequence change replaces asparagine, which is neutral and polar, with lysine, which is basic and polar, at codon 128 of the CARD8 protein (p.Asn128Lys). This variant is present in population databases (rs772050510, gnomAD 0.003%). This variant has not been reported in the literature in individuals affected with CARD8-related conditions. An algorithm developed to predict the effect of missense changes on protein structure and function (PolyPhen-2) suggests that this variant is likely to be disruptive. In summary, the available evidence is currently insufficient to determine the role of this variant in disease. Therefore, it has been classified as a Variant of Uncertain Significance.